The following is an entry in ClinVar:

ClinVar aggregate classification (germline): Conflicting classifications of pathogenicity. Review status: criteria provided, conflicting classifications (1 of 4 stars). 4 submissions from 4 submitters: Uncertain significance (3); Likely benign (1). Last evaluated 2025-11-03.

Conditions:
Cardiovascular phenotype. Identifiers: MedGen CN230736.
Danon disease. Also called: PSEUDOGLYCOGENOSIS II; GSD IIb; LYSOSOMAL GLYCOGEN STORAGE DISEASE WITHOUT ACID MALTASE DEFICIENCY; ANTOPOL DISEASE; Glycogen Storage Disease Type IIb. Identifiers: Orphanet 34587, MedGen C0878677, MONDO:0010281, OMIM 300257.

Allele frequency attached by ClinVar (database versions not stated): ExAC 0.00001; gnomAD exomes 0.00001 and 0.00002; gnomAD 0.00005 and 0.00006; TOPMed 0.00005.

Submissions (4):

Labcorp Genetics (formerly Invitae), Labcorp
Classification: Uncertain significance for Danon disease. Last evaluated: 2025-11-03. Review status: criteria provided, single submitter. Criteria: Invitae Variant Classification Sherloc (09022015). Collection method: clinical testing. Allele origin: germline.
Comment: This sequence change replaces asparagine, which is neutral and polar, with serine, which is neutral and polar, at codon 148 of the LAMP2 protein (p.Asn148Ser). This variant is present in population databases (rs766491800, gnomAD 0.004%), including at least one homozygous and/or hemizygous individual. This variant has not been reported in the literature in individuals affected with LAMP2-related conditions. ClinVar contains an entry for this variant (Variation ID: 578311). Invitae Evidence Modeling of protein sequence and biophysical properties (such as structural, functional, and spatial information, amino acid conservation, physicochemical variation, residue mobility, and thermodynamic stability) indicates that this missense variant is not expected to disrupt LAMP2 protein function with a negative predictive value of 80%. In summary, the available evidence is currently insufficient to determine the role of this variant in disease. Therefore, it has been classified as a Variant of Uncertain Significance.

GeneDx
Classification: Uncertain significance. Last evaluated: 2025-04-02. Review status: criteria provided, single submitter. Criteria: GeneDx Variant Classification Process June 2021. Collection method: clinical testing. Allele origin: germline. Affected: yes.
Comment: Has not been previously published as pathogenic or benign to our knowledge; In silico analysis supports that this missense variant has a deleterious effect on protein structure/function

Ambry Genetics
Classification: Likely benign for Cardiovascular phenotype. Last evaluated: 2024-08-22. Review status: criteria provided, single submitter. Criteria: Ambry Variant Classification Scheme 2023. Collection method: clinical testing. Allele origin: germline.

Fulgent Genetics
Classification: Uncertain significance for Danon disease. Last evaluated: 2021-08-11. Review status: criteria provided, single submitter. Criteria: ACMG Guidelines, 2015. Collection method: clinical testing. Allele origin: unknown.

NM_002294.3(LAMP2):c.443A>G (p.Asn148Ser)

Gene: LAMP2 (lysosome associated membrane protein 2; minus strand). Cytogenetic location: Xq24.
Variant type: single nucleotide variant.
Coding change: c.443A>G on transcript NM_002294.3 (MANE Select); coding-DNA position 443, A replaced by G.
Protein change: p.Asn148Ser; replaces asparagine 148 with serine.
Molecular consequence: missense variant.
Genome position (GRCh38, 1-based): chrX:120,449,083, T>C on the plus strand (A>G on the coding strand, the complement: LAMP2 is on the minus strand). VCF-style: chrX-120449083-T-C. GRCh37 (hg19) VCF-style: chrX-119582938-T-C.
Other names: c.443A>G, p.Asn148Ser (NM_001122606.1, NM_013995.2); short protein forms N148S.
Identifiers: ClinVar variation 578311 (VCV000578311.15), dbSNP rs766491800, ClinGen allele CA10505302.
Genomic context (GRCh38, chrX:120,449,083, plus strand): 5'-TAGTGTTGGACAACATCATTCTTTTCCAAAGTTGATAAACTATTGCATCTAAAAAGGTCA[T>C]TCAATGGAATTCTGATGGCCAAAAGTTCATCAACAGTAAGAATTCCTATAAAACAAGATT-3'
Protein context (NP_002285.1, residues 138-158): DELLAIRIPL[Asn148Ser]DLFRCNSLST